The following is an entry in ClinVar:

ClinVar aggregate classification (germline): Uncertain significance (1 of 4 stars; one submission).

Conditions:
Diffuse cerebral and cerebellar atrophy - intractable seizures - progressive microcephaly syndrome. Also called: Microcephaly, progressive, with seizures and cerebral and cerebellar atrophy. Identifiers: Orphanet 404437, MedGen C4014239, MONDO:0014335, OMIM 615760.

Submission:

Labcorp Genetics (formerly Invitae), Labcorp
Classification: Uncertain significance for Diffuse cerebral and cerebellar atrophy - intractable seizures - progressive microcephaly syndrome. Last evaluated: 2020-03-17. Review status: criteria provided, single submitter. Criteria: Invitae Variant Classification Sherloc (09022015). Collection method: clinical testing. Allele origin: germline.
Comment: This sequence change replaces lysine with glutamic acid at codon 496 of the QARS protein (p.Lys496Glu). The lysine residue is highly conserved and there is a small physicochemical difference between lysine and glutamic acid. This variant is not present in population databases (ExAC no frequency). This variant has not been reported in the literature in individuals with QARS-related conditions. Algorithms developed to predict the effect of missense changes on protein structure and function (SIFT, PolyPhen-2, Align-GVGD) all suggest that this variant is likely to be disruptive, but these predictions have not been confirmed by published functional studies and their clinical significance is uncertain. In summary, the available evidence is currently insufficient to determine the role of this variant in disease. Therefore, it has been classified as a Variant of Uncertain Significance.

NM_005051.3(QARS1):c.1486A>G (p.Lys496Glu)

Gene: QARS1 (glutaminyl-tRNA synthetase 1; minus strand). Cytogenetic location: 3p21.31.
Variant type: single nucleotide variant.
Coding change: c.1486A>G on transcript NM_005051.3 (MANE Select); coding-DNA position 1486, A replaced by G.
Protein change: p.Lys496Glu; replaces lysine 496 with glutamic acid.
Molecular consequence: missense variant. On other transcripts: non-coding transcript variant (1).
Genome position (GRCh38, 1-based): chr3:49,099,550, T>C on the plus strand (A>G on the coding strand, the complement: QARS1 is on the minus strand). VCF-style: chr3-49099550-T-C. GRCh37 (hg19) VCF-style: chr3-49136983-T-C.
Other names: c.1453A>G, p.Lys485Glu (NM_001272073.2); short protein forms K496E, K485E.
Identifiers: ClinVar variation 1041580 (VCV001041580.5), dbSNP rs2042438753, ClinGen allele CA352705958.